The following is an entry in ClinVar:

NM_001287.6(CLCN7):c.2053_2072delinsT (p.Ile685fs)

Gene: CLCN7 (Cl-/H+ antiporter 7; minus strand). Cytogenetic location: 16p13.3.
Variant type: Indel.
Coding change: c.2053_2072delinsT on transcript NM_001287.6 (MANE Select); coding-DNA positions 2053 to 2072, ATCGTTCTCCTAAAGCACAA replaced by T.
Protein change: p.Ile685fs; shifts the reading frame from isoleucine 685.
Molecular consequence: frameshift variant.
Genome position (GRCh38, 1-based): chr16:1,447,656-1,447,675, TTGTGCTTTAGGAGAACGAT replaced by A on the plus strand (ATCGTTCTCCTAAAGCACAA replaced by T on the coding strand, the reverse complement: CLCN7 is on the minus strand). VCF-style: chr16-1447656-TTGTGCTTTAGGAGAACGAT-A. GRCh37 (hg19) VCF-style: chr16-1497657-TTGTGCTTTAGGAGAACGAT-A.
Other names: c.1981_2000delinsT, p.Ile661fs (NM_001114331.3); short protein forms I661fs, I685fs.
Identifiers: ClinVar variation 1701268 (VCV001701268.31), dbSNP rs2142366086, ClinGen allele CA2580090671.

ClinVar aggregate classification (germline): Pathogenic (1 of 4 stars; one submission).

Submission:

CeGaT Center for Human Genetics Tuebingen
Classification: Pathogenic. Last evaluated: 2023-02-01. Review status: criteria provided, single submitter. Criteria: CeGaT Center For Human Genetics Tuebingen Variant Classification Criteria Version 2. Collection method: clinical testing. Allele origin: germline. Affected: yes. Observed: 3 variant alleles.
Comment: CLCN7: PVS1, PM2